The following is an entry in ClinVar:

ClinVar aggregate classification (germline): Likely pathogenic (1 of 4 stars; one submission).

Conditions:
Mucopolysaccharidosis, MPS-III-B (MPS3B). Also called: MPS IIIB (Sanfilippo Syndrome Type B); MUCOPOLYSACCHARIDOSIS, TYPE IIIB; Mucopolysaccharidosis type IIIB (Sanfilippo B); N-ACETYL-ALPHA-D-GLUCOSAMINIDASE DEFICIENCY; NAGLU DEFICIENCY; SANFILIPPO SYNDROME B. Identifiers: Orphanet 79270, MedGen C0086648, MONDO:0009656, OMIM 252920.
Charcot-Marie-Tooth disease axonal type 2V. Also called: CHARCOT-MARIE-TOOTH NEUROPATHY, TYPE 2V; CHARCOT-MARIE-TOOTH DISEASE, AXONAL, AUTOSOMAL DOMINANT, TYPE 2V. Identifiers: Orphanet 447964, MedGen C5569050, MONDO:0014665, OMIM 616491.

Submission:

Labcorp Genetics (formerly Invitae), Labcorp
Classification: Likely pathogenic for Charcot-Marie-Tooth disease axonal type 2V; Mucopolysaccharidosis, MPS-III-B. Last evaluated: 2024-11-18. Review status: criteria provided, single submitter. Criteria: Invitae Variant Classification Sherloc (09022015). Collection method: clinical testing. Allele origin: germline.
Comment: This sequence change replaces glutamic acid, which is acidic and polar, with aspartic acid, which is acidic and polar, at codon 153 of the NAGLU protein (p.Glu153Asp). This variant is not present in population databases (gnomAD no frequency). This variant has not been reported in the literature in individuals affected with NAGLU-related conditions. ClinVar contains an entry for this variant (Variation ID: 999108). Invitae Evidence Modeling of protein sequence and biophysical properties (such as structural, functional, and spatial information, amino acid conservation, physicochemical variation, residue mobility, and thermodynamic stability) indicates that this missense variant is expected to disrupt NAGLU protein function with a positive predictive value of 95%. This variant disrupts the p.Glu153 amino acid residue in NAGLU. Other variant(s) that disrupt this residue have been determined to be pathogenic (PMID: 9443878, 11793481, 29979746, 31236806). This suggests that this residue is clinically significant, and that variants that disrupt this residue are likely to be disease-causing. In summary, the currently available evidence indicates that the variant is pathogenic, but additional data are needed to prove that conclusively. Therefore, this variant has been classified as Likely Pathogenic.

Literature cited by the submitters: PubMed 9443878; PubMed 11793481; PubMed 29979746; PubMed 31236806.

NM_000263.4(NAGLU):c.459G>C (p.Glu153Asp)

Gene: NAGLU (N-acetyl-alpha-glucosaminidase; plus strand). Cytogenetic location: 17q21.2.
Variant type: single nucleotide variant.
Coding change: c.459G>C on transcript NM_000263.4 (MANE Select); coding-DNA position 459, G replaced by C.
Protein change: p.Glu153Asp; replaces glutamic acid 153 with aspartic acid.
Molecular consequence: missense variant.
Genome position (GRCh38, 1-based): chr17:42,537,473, G>C. VCF-style: chr17-42537473-G-C. GRCh37 (hg19) VCF-style: chr17-40689491-G-C.
Other names: short protein forms E153D.
Identifiers: ClinVar variation 999108 (VCV000999108.8), dbSNP rs746876753, ClinGen allele CA399598152.